The following is an entry in ClinVar:

ClinVar aggregate classification (germline): Uncertain significance (1 of 4 stars; one submission).

Conditions:
Hereditary cancer-predisposing syndrome. Also called: Neoplastic Syndromes, Hereditary; Tumor predisposition; Hereditary Cancer Syndrome; Hereditary neoplastic syndrome. Identifiers: Orphanet 140162, MedGen C0027672, MeSH D009386, MONDO:0015356.
Familial thoracic aortic aneurysm and aortic dissection (TAAD). Also called: Thoracic aortic aneurysms and dissections. Identifiers: Orphanet 91387, MedGen C4707243, MONDO:0019625.

Submission:

Ambry Genetics
Classification: Uncertain significance for Hereditary cancer-predisposing syndrome; Familial thoracic aortic aneurysm and aortic dissection. Last evaluated: 2026-04-23. Review status: criteria provided, single submitter. Criteria: Ambry Variant Classification Scheme 2023. Collection method: clinical testing. Allele origin: germline.
Comment: The p.Q334E variant (also known as c.1000C>G), located in coding exon 8 of the SMAD4 gene, results from a C to G substitution at nucleotide position 1000. The glutamine at codon 334 is replaced by glutamic acid, an amino acid with highly similar properties. This amino acid position is highly conserved in available vertebrate species. In addition, this alteration is predicted to be deleterious by in silico analysis. Based on the available evidence, the clinical significance of this variant remains unclear.

NM_005359.6(SMAD4):c.1000C>G (p.Gln334Glu)

Gene: SMAD4 (SMAD family member 4; plus strand). Cytogenetic location: 18q21.2.
Variant type: single nucleotide variant.
Coding change: c.1000C>G on transcript NM_005359.6 (MANE Select); coding-DNA position 1000, C replaced by G.
Protein change: p.Gln334Glu; replaces glutamine 334 with glutamic acid.
Molecular consequence: missense variant.
Genome position (GRCh38, 1-based): chr18:51,065,467, C>G. VCF-style: chr18-51065467-C-G. GRCh37 (hg19) VCF-style: chr18-48591837-C-G.
Other names: c.1000C>G, p.Gln334Glu (NM_001407041.1, NM_001407042.1, NM_001407043.1); short protein forms Q334E.
Identifiers: ClinVar variation 1738777 (VCV001738777.3), dbSNP rs867764109, ClinGen allele CA402464178.